The following is an entry in ClinVar:

NM_000548.5(TSC2):c.3796C>G (p.Leu1266Val)

Gene: TSC2 (TSC complex subunit 2; plus strand). Cytogenetic location: 16p13.3.
Variant type: single nucleotide variant.
Coding change: c.3796C>G on transcript NM_000548.5 (MANE Select); coding-DNA position 3796, C replaced by G.
Protein change: p.Leu1266Val; replaces leucine 1266 with valine.
Molecular consequence: missense variant.
Genome position (GRCh38, 1-based): chr16:2,081,780, C>G. VCF-style: chr16-2081780-C-G. GRCh37 (hg19) VCF-style: chr16-2131781-C-G.
Other names: c.3664C>G, p.Leu1222Val (NM_001077183.3, NM_001370404.1, NM_001406665.1); c.3796C>G, p.Leu1266Val (NM_001114382.3); c.3556C>G, p.Leu1186Val (NM_001318827.2); c.3520C>G, p.Leu1174Val (NM_001318829.2); c.3685C>G, p.Leu1229Val (NM_001406670.1); c.3655C>G, p.Leu1219Val (NM_001406671.1); c.3652C>G, p.Leu1218Val (NM_001406673.1); c.3649C>G, p.Leu1217Val (NM_001406675.1); and 18 more; short protein forms L1023V, L1216V, L1219V, L1222V, L1233V, L1253V, L818V, L1022V.
Identifiers: ClinVar variation 1734981 (VCV001734981.5), dbSNP rs2090172721, ClinGen allele CA394293547.

ClinVar aggregate classification (germline): Uncertain significance. Review status: criteria provided, multiple submitters, no conflicts (2 of 4 stars). 2 submissions from 2 submitters: Uncertain significance (2). Last evaluated 2023-03-21.

Conditions:
Tuberous sclerosis 2 (TSC2). Identifiers: Orphanet 805, MedGen C1860707, MONDO:0013199, OMIM 613254.
Hereditary cancer-predisposing syndrome. Also called: Neoplastic Syndromes, Hereditary; Tumor predisposition; Hereditary Cancer Syndrome; Hereditary neoplastic syndrome. Identifiers: Orphanet 140162, MedGen C0027672, MeSH D009386, MONDO:0015356.

Submissions (2):

Labcorp Genetics (formerly Invitae), Labcorp
Classification: Uncertain significance for Tuberous sclerosis 2. Last evaluated: 2023-03-21. Review status: criteria provided, single submitter. Criteria: Invitae Variant Classification Sherloc (09022015). Collection method: clinical testing. Allele origin: germline.
Comment: Advanced modeling of protein sequence and biophysical properties (such as structural, functional, and spatial information, amino acid conservation, physicochemical variation, residue mobility, and thermodynamic stability) performed at Invitae indicates that this missense variant is not expected to disrupt TSC2 protein function. ClinVar contains an entry for this variant (Variation ID: 1734981). This variant has not been reported in the literature in individuals affected with TSC2-related conditions. This variant is not present in population databases (gnomAD no frequency). This sequence change replaces leucine, which is neutral and non-polar, with valine, which is neutral and non-polar, at codon 1266 of the TSC2 protein (p.Leu1266Val). In summary, the available evidence is currently insufficient to determine the role of this variant in disease. Therefore, it has been classified as a Variant of Uncertain Significance.

Ambry Genetics
Classification: Uncertain significance for Hereditary cancer-predisposing syndrome. Last evaluated: 2022-02-07. Review status: criteria provided, single submitter. Criteria: Ambry Variant Classification Scheme 2023. Collection method: clinical testing. Allele origin: germline.
Comment: The p.L1266V variant (also known as c.3796C>G), located in coding exon 30 of the TSC2 gene, results from a C to G substitution at nucleotide position 3796. The leucine at codon 1266 is replaced by valine, an amino acid with highly similar properties. This amino acid position is not well conserved in available vertebrate species. In addition, the in silico prediction for this alteration is inconclusive. Since supporting evidence is limited at this time, the clinical significance of this alteration remains unclear.